The following is an entry in ClinVar:

ClinVar aggregate classification (germline): Pathogenic (1 of 4 stars; one submission).

Submission:

Labcorp Genetics (formerly Invitae), Labcorp
Classification: Pathogenic. Last evaluated: 2026-01-05. Review status: criteria provided, single submitter. Criteria: Invitae Variant Classification Sherloc (09022015). Collection method: clinical testing. Allele origin: germline.
Comment: This sequence change creates a premature translational stop signal (p.Arg426*) in the LRP6 gene. It is expected to result in an absent or disrupted protein product. Loss-of-function variants in LRP6 are known to be pathogenic (PMID: 26387593). This variant is not present in population databases (gnomAD no frequency). This variant has not been reported in the literature in individuals affected with LRP6-related conditions. ClinVar contains an entry for this variant (Variation ID: 2021101). For these reasons, this variant has been classified as Pathogenic.

Literature cited by the submitters: PubMed 26387593.

NM_002336.3(LRP6):c.1276C>T (p.Arg426Ter)

Gene: LRP6 (LDL receptor related protein 6; minus strand). Cytogenetic location: 12p13.2.
Variant type: single nucleotide variant.
Coding change: c.1276C>T on transcript NM_002336.3 (MANE Select); coding-DNA position 1276, C replaced by T.
Protein change: p.Arg426Ter; replaces arginine 426 with a stop codon.
Molecular consequence: nonsense.
Genome position (GRCh38, 1-based): chr12:12,181,140, G>A on the plus strand (C>T on the coding strand, the complement: LRP6 is on the minus strand). VCF-style: chr12-12181140-G-A. GRCh37 (hg19) VCF-style: chr12-12334074-G-A.
Other names: c.1276C>T, p.Arg426Ter (NM_001414244.1, NM_001414245.1, NM_001414246.1 and 5 more transcripts); c.1078C>T, p.Arg360Ter (NM_001414247.1); c.823C>T, p.Arg275Ter (NM_001414252.1, NM_001414253.1, NM_001414254.1); short protein forms R275*, R426*, R360*.
Identifiers: ClinVar variation 2021101 (VCV002021101.4), dbSNP rs751994990, ClinGen allele CA383950596.
Genomic context (GRCh38, chr12:12,181,140, plus strand): 5'-CTAAGTCCTCTGAAATCAAGATCTTCCTCATGGTCCCATTGAGCCTTGTCACTTCTATTC[G>A]ATCAGTGCCAGTGTCTGTCCAATAAAGATTTCGTGCAACCCAGTCCACAGCAATACCATC-3'